The following is an entry in ClinVar:

ClinVar aggregate classification (germline): Likely pathogenic. Review status: criteria provided, multiple submitters, no conflicts (2 of 4 stars). 3 submissions from 3 submitters: Likely pathogenic (2). 1 of the submissions does not count toward it. Last evaluated 2019-05-15.

Conditions:
Deficiency of alpha-mannosidase (MANSA). Also called: LYSOSOMAL ALPHA-D-MANNOSIDASE DEFICIENCY; Mannosidosis, alpha-, types I and II; Alpha-Mannosidosis. Identifiers: Orphanet 61, MedGen C0024748, MONDO:0009561, OMIM 248500.

Allele frequency attached by ClinVar (database versions not stated): gnomAD exomes below 0.00001.

Submissions (3):

Labcorp Genetics (formerly Invitae), Labcorp
Classification: Likely pathogenic for Deficiency of alpha-mannosidase. Last evaluated: 2019-05-15. Review status: criteria provided, single submitter. Criteria: Invitae Variant Classification Sherloc (09022015). Collection method: clinical testing. Allele origin: germline.
Comment: This variant is not present in population databases (ExAC no frequency). This sequence change replaces leucine with proline at codon 352 of the MAN2B1 protein (p.Leu352Pro). The leucine residue is moderately conserved and there is a moderate physicochemical difference between leucine and proline. This variant has been observed to segregate with mannosidosis in a family (PMID: 22161967). ClinVar contains an entry for this variant (Variation ID: 208261). This variant has been reported to affect MAN2B1 protein function (PMID: 22161967, 21505070). In summary, the currently available evidence indicates that the variant is pathogenic, but additional data are needed to prove that conclusively. Therefore, this variant has been classified as Likely Pathogenic.

Department of Medical Genetics, Oslo University Hospital
Classification: Likely pathogenic for Deficiency of alpha-mannosidase. Review status: criteria provided, single submitter. Criteria: ACMG Guidelines, 2015. Collection method: clinical testing. Allele origin: germline. Affected: yes. Observed: 1 variant allele, 1 homozygote.

ClinVar Staff, National Center for Biotechnology Information (NCBI)
Classification: Uncertain significance for Deficiency of alpha-mannosidase. Last evaluated: 2012-06-07. Review status: no assertion criteria provided. Collection method: literature only. Allele origin: germline. Affected: yes. Not counted in ClinVar's aggregate classification.

Literature cited by the submitters: PubMed 22161967 (cited by Labcorp Genetics (formerly Invitae), Labcorp and ClinVar Staff, National Center for Biotechnology Information (NCBI)); PubMed 21505070 (cited by Labcorp Genetics (formerly Invitae), Labcorp).

NM_000528.4(MAN2B1):c.1055T>C (p.Leu352Pro)

Gene: MAN2B1 (mannosidase alpha class 2B member 1; minus strand). Cytogenetic location: 19p13.13.
Variant type: single nucleotide variant.
Coding change: c.1055T>C on transcript NM_000528.4 (MANE Select); coding-DNA position 1055, T replaced by C.
Protein change: p.Leu352Pro; replaces leucine 352 with proline.
Molecular consequence: missense variant.
Genome position (GRCh38, 1-based): chr19:12,658,482, A>G on the plus strand (T>C on the coding strand, the complement: MAN2B1 is on the minus strand). VCF-style: chr19-12658482-A-G. GRCh37 (hg19) VCF-style: chr19-12769296-A-G.
Other names: c.1052T>C, p.Leu351Pro (NM_001173498.2); short protein forms L352P, L351P.
Identifiers: ClinVar variation 208261 (VCV000208261.12), dbSNP rs864621980, ClinGen allele CA350927.